The following is an entry in ClinVar:

NM_014319.5(LEMD3):c.352C>G (p.Leu118Val)

Genes: LEMD3 (LEM domain containing 3; plus strand), LOC130008224 (ATAC-STARR-seq lymphoblastoid silent region 4630; plus strand). Cytogenetic location: 12q14.3.
Variant type: single nucleotide variant.
Coding change: c.352C>G on transcript NM_014319.5 (MANE Select); coding-DNA position 352, C replaced by G.
Protein change: p.Leu118Val; replaces leucine 118 with valine.
Molecular consequence: missense variant.
Genome position (GRCh38, 1-based): chr12:65,169,948, C>G. VCF-style: chr12-65169948-C-G. GRCh37 (hg19) VCF-style: chr12-65563728-C-G.
Other names: c.352C>G, p.Leu118Val (NM_001167614.2); short protein forms L118V.
Identifiers: ClinVar variation 2963769 (VCV002963769.3), dbSNP rs1315056466, ClinGen allele CA385672750.

ClinVar aggregate classification (germline): Uncertain significance (1 of 4 stars; one submission).

Allele frequency attached by ClinVar (database versions not stated): gnomAD 0.00001; TOPMed 0.00001.
gnomAD v4.1: 11 of 1,457,176 alleles (0.00075%); highest among the groups gnomAD compares: South Asian, 0.0014%; no homozygotes.

Submission:

Labcorp Genetics (formerly Invitae), Labcorp
Classification: Uncertain significance. Last evaluated: 2025-07-21. Review status: criteria provided, single submitter. Criteria: Invitae Variant Classification Sherloc (09022015). Collection method: clinical testing. Allele origin: germline.
Comment: This sequence change replaces leucine, which is neutral and non-polar, with valine, which is neutral and non-polar, at codon 118 of the LEMD3 protein (p.Leu118Val). This variant is present in population databases (no rsID available, gnomAD 0.006%). This variant has not been reported in the literature in individuals affected with LEMD3-related conditions. ClinVar contains an entry for this variant (Variation ID: 2963769). An algorithm developed to predict the effect of missense changes on protein structure and function (PolyPhen-2) suggests that this variant is likely to be tolerated. In summary, the available evidence is currently insufficient to determine the role of this variant in disease. Therefore, it has been classified as a Variant of Uncertain Significance.